The following is an entry in ClinVar:

ClinVar aggregate classification (germline): Uncertain significance (1 of 4 stars; one submission).

Conditions:
Monocytopenia with susceptibility to infections. Also called: MONOCYTOPENIA AND MYCOBACTERIAL INFECTION SYNDROME; MONOCYTOPENIA WITH SUSCEPTIBILITY TO MYCOBACTERIAL, FUNGAL, AND PAPILLOMAVIRUS INFECTIONS AND MYELODYSPLASIA; COMBINED IMMUNODEFICIENCY WITH SUSCEPTIBILITY TO MYCOBACTERIAL, VIRAL, AND FUNGAL INFECTIONS; Dendritic cell, monocyte, B lymphocyte, and natural killer lymphocyte deficiency; IMMUNODEFICIENCY 21; GATA2 DEFICIENCY. Identifiers: Orphanet 228423, MedGen C3280030, MONDO:0013607, OMIM 614172.
Deafness-lymphedema-leukemia syndrome. Also called: Lymphedema, primary, with myelodysplasia; Emberger syndrome. Identifiers: Orphanet 3226, MedGen C3279664, MONDO:0013540, OMIM 614038.

Allele frequency attached by ClinVar (database versions not stated): gnomAD exomes below 0.00001.
gnomAD v4.1: 1 of 1,602,014 alleles (0.000062%); highest among the groups gnomAD compares: Non-Finnish European, 0.000085%; no homozygotes.

Submission:

Labcorp Genetics (formerly Invitae), Labcorp
Classification: Uncertain significance for Monocytopenia with susceptibility to infections; Deafness-lymphedema-leukemia syndrome. Last evaluated: 2019-04-09. Review status: criteria provided, single submitter. Criteria: Invitae Variant Classification Sherloc (09022015). Collection method: clinical testing. Allele origin: germline.
Comment: Algorithms developed to predict the effect of missense changes on protein structure and function are either unavailable or do not agree on the potential impact of this missense change (SIFT: "Tolerated"; PolyPhen-2: "Possibly Damaging"; Align-GVGD: "Class C0"). In summary, the available evidence is currently insufficient to determine the role of this variant in disease. Therefore, it has been classified as a Variant of Uncertain Significance. This variant has not been reported in the literature in individuals with GATA2-related conditions. This variant is not present in population databases (ExAC no frequency). This sequence change replaces glutamine with arginine at codon 83 of the GATA2 protein (p.Gln83Arg). The glutamine residue is moderately conserved and there is a small physicochemical difference between glutamine and arginine.

NM_032638.5(GATA2):c.248A>G (p.Gln83Arg)

Gene: GATA2 (GATA binding protein 2; minus strand). Cytogenetic location: 3q21.3.
Variant type: single nucleotide variant.
Coding change: c.248A>G on transcript NM_032638.5 (MANE Select); coding-DNA position 248, A replaced by G.
Protein change: p.Gln83Arg; replaces glutamine 83 with arginine.
Molecular consequence: missense variant.
Genome position (GRCh38, 1-based): chr3:128,486,350, T>C on the plus strand (A>G on the coding strand, the complement: GATA2 is on the minus strand). VCF-style: chr3-128486350-T-C. GRCh37 (hg19) VCF-style: chr3-128205193-T-C.
Other names: c.248A>G, p.Gln83Arg (NM_001145661.2, NM_001145662.1); short protein forms Q83R.
Identifiers: ClinVar variation 951299 (VCV000951299.9), dbSNP rs1426636606, ClinGen allele CA354407870.